The following is an entry in ClinVar:

ClinVar aggregate classification (germline): Uncertain significance. Review status: criteria provided, multiple submitters, no conflicts (2 of 4 stars). 2 submissions from 2 submitters: Uncertain significance (2). Last evaluated 2024-12-16.

Conditions:
Inborn genetic diseases. Identifiers: MedGen C0950123, MeSH D030342.

gnomAD v4.1: 3 of 1,608,618 alleles (0.00019%); highest among the groups gnomAD compares: Non-Finnish European, 0.000085%; no homozygotes.

Submissions (2):

Ambry Genetics
Classification: Uncertain significance for Inborn genetic diseases. Last evaluated: 2024-12-16. Review status: criteria provided, single submitter. Criteria: Ambry Variant Classification Scheme 2023. Collection method: clinical testing. Allele origin: germline.

GeneDx
Classification: Uncertain significance. Last evaluated: 2024-07-10. Review status: criteria provided, single submitter. Criteria: GeneDx Variant Classification Process June 2021. Collection method: clinical testing. Allele origin: germline. Affected: yes.
Comment: Not observed at significant frequency in large population cohorts (gnomAD); In silico analysis indicates that this missense variant does not alter protein structure/function; Has not been previously published as pathogenic or benign to our knowledge

NM_001085458.2(CTNND1):c.130G>C (p.Val44Leu)

Genes: CTNND1 (catenin delta 1; plus strand), TMX2-CTNND1 (TMX2-CTNND1 readthrough (NMD candidate); plus strand). Cytogenetic location: 11q12.1.
Variant type: single nucleotide variant.
Coding change: c.130G>C on transcript NM_001085458.2 (MANE Select); coding-DNA position 130, G replaced by C.
Protein change: p.Val44Leu; replaces valine 44 with leucine.
Molecular consequence: missense variant. On other transcripts: non-coding transcript variant (1), 5 prime UTR variant (7), intron variant (8).
Genome position (GRCh38, 1-based): chr11:57,791,608, G>C. VCF-style: chr11-57791608-G-C. GRCh37 (hg19) VCF-style: chr11-57559080-G-C.
Other names: c.130G>C, p.Val44Leu (NM_001085459.2, NM_001085460.2, NM_001085461.2 and 3 more transcripts); c.-33G>C (NM_001206883.2, NM_001206884.2, NM_001206886.2 and 4 more transcripts); c.-108-2402G>C (NM_001085467.2, NM_001206890.2, NM_001085463.2 and 4 more transcripts); c.-36-3969G>C (NM_001085469.2); c.130G>C (NM_001085458.1); short protein forms V44L.
Identifiers: ClinVar variation 3572824 (VCV003572824.2).